The following is an entry in ClinVar:

ClinVar aggregate classification (germline): Uncertain significance (1 of 4 stars; one submission).

Conditions:
CHARGE syndrome (CHARGE). Also called: Hittner Hirsch Kreh syndrome; CHARGE ASSOCIATION--COLOBOMA, HEART ANOMALY, CHOANAL ATRESIA, RETARDATION, GENITAL AND EAR ANOMALIES; Coloboma, heart anomaly, choanal atresia, retardation, genital and ear anomalies; CHARGE association; Hall-Hittner syndrome. Identifiers: Orphanet 138, MedGen C0265354, MONDO:0008965.

gnomAD v4.1: 6 of 1,613,178 alleles (0.00037%); highest among the groups gnomAD compares: Non-Finnish European, 0.00051%; no homozygotes.

Submission:

Labcorp Genetics (formerly Invitae), Labcorp
Classification: Uncertain significance for CHARGE syndrome. Last evaluated: 2023-08-22. Review status: criteria provided, single submitter. Criteria: Invitae Variant Classification Sherloc (09022015). Collection method: clinical testing. Allele origin: germline.
Comment: This sequence change replaces glycine, which is neutral and non-polar, with valine, which is neutral and non-polar, at codon 579 of the SEMA3E protein (p.Gly579Val). In summary, the available evidence is currently insufficient to determine the role of this variant in disease. Therefore, it has been classified as a Variant of Uncertain Significance. An algorithm developed to predict the effect of missense changes on protein structure and function (PolyPhen-2) suggests that this variant is likely to be disruptive. This variant has not been reported in the literature in individuals affected with SEMA3E-related conditions. This variant is not present in population databases (gnomAD no frequency).

NM_012431.3(SEMA3E):c.1736G>T (p.Gly579Val)

Gene: SEMA3E (semaphorin 3E; minus strand). Cytogenetic location: 7q21.11.
Variant type: single nucleotide variant.
Coding change: c.1736G>T on transcript NM_012431.3 (MANE Select); coding-DNA position 1736, G replaced by T.
Protein change: p.Gly579Val; replaces glycine 579 with valine.
Molecular consequence: missense variant.
Genome position (GRCh38, 1-based): chr7:83,385,433, C>A on the plus strand (G>T on the coding strand, the complement: SEMA3E is on the minus strand). VCF-style: chr7-83385433-C-A. GRCh37 (hg19) VCF-style: chr7-83014749-C-A.
Other names: c.1556G>T, p.Gly519Val (NM_001178129.2); short protein forms G579V, G519V.
Identifiers: ClinVar variation 2882850 (VCV002882850.3), dbSNP rs377608971, ClinGen allele CA367921958.